The following is an entry in ClinVar:

NM_000391.4(TPP1):c.772G>C (p.Ala258Pro)

Gene: TPP1 (tripeptidyl peptidase 1; minus strand). Cytogenetic location: 11p15.4.
Variant type: single nucleotide variant.
Coding change: c.772G>C on transcript NM_000391.4 (MANE Select); coding-DNA position 772, G replaced by C.
Protein change: p.Ala258Pro; replaces alanine 258 with proline.
Molecular consequence: missense variant.
Genome position (GRCh38, 1-based): chr11:6,616,775, C>G on the plus strand (G>C on the coding strand, the complement: TPP1 is on the minus strand). VCF-style: chr11-6616775-C-G. GRCh37 (hg19) VCF-style: chr11-6638006-C-G.
Other names: short protein forms A258P.
Identifiers: ClinVar variation 2154928 (VCV002154928.2), dbSNP rs773247372, ClinGen allele CA379475095.

ClinVar aggregate classification (germline): Uncertain significance (1 of 4 stars; one submission).

Submission:

Labcorp Genetics (formerly Invitae), Labcorp
Classification: Uncertain significance. Last evaluated: 2025-07-31. Review status: criteria provided, single submitter. Criteria: Invitae Variant Classification Sherloc (09022015). Collection method: clinical testing. Allele origin: germline.
Comment: This sequence change replaces alanine, which is neutral and non-polar, with proline, which is neutral and non-polar, at codon 258 of the TPP1 protein (p.Ala258Pro). This variant is present in population databases (no rsID available, gnomAD 0.007%). This variant has not been reported in the literature in individuals affected with TPP1-related conditions. ClinVar contains an entry for this variant (Variation ID: 2154928). Invitae Evidence Modeling of protein sequence and biophysical properties (such as structural, functional, and spatial information, amino acid conservation, physicochemical variation, residue mobility, and thermodynamic stability) indicates that this missense variant is not expected to disrupt TPP1 protein function with a negative predictive value of 95%. In summary, the available evidence is currently insufficient to determine the role of this variant in disease. Therefore, it has been classified as a Variant of Uncertain Significance.